The following is an entry in ClinVar:

ClinVar aggregate classification (germline): Uncertain significance. Review status: criteria provided, multiple submitters, no conflicts (2 of 4 stars). 3 submissions from 3 submitters: Uncertain significance (3). Last evaluated 2025-07-29.

Conditions:
Hereditary cancer-predisposing syndrome. Also called: Tumor predisposition; Hereditary Cancer Syndrome; Hereditary neoplastic syndrome; Neoplastic Syndromes, Hereditary. Identifiers: Orphanet 140162, MedGen C0027672, MeSH D009386, MONDO:0015356.
Carney complex, type 1 (CNC1). Also called: CARNEY MYXOMA-ENDOCRINE COMPLEX; CARNEY COMPLEX, TYPE I. Identifiers: Orphanet 1359, MedGen C2607929, MONDO:0008057, OMIM 160980.
Familial atrial myxoma. Identifiers: Orphanet 615, MedGen C2931787, MONDO:0009719, OMIM 255960.
Pigmented nodular adrenocortical disease, primary, 1 (PPNAD1). Also called: ADRENOCORTICAL NODULAR DYSPLASIA, PRIMARY; CUSHING SYNDROME, ADRENAL, DUE TO PPNAD1; PIGMENTED MICRONODULAR ADRENOCORTICAL DISEASE, PRIMARY, 1. Identifiers: Orphanet 189439, MedGen C1864846, MONDO:0012509, OMIM 610489.
Acrodysostosis 1 with or without hormone resistance (ACRDYS1). Also called: ACRODYSOSTOSIS WITH HORMONE RESISTANCE; ACRODYSOSTOSIS 1 WITH HORMONE RESISTANCE; ACRODYSOSTOSIS 1 WITHOUT HORMONE RESISTANCE. Identifiers: Orphanet 280651, MedGen C3276228, MONDO:0007044, OMIM 101800.

Allele frequency attached by ClinVar (database versions not stated): ExAC 0.00001; TOPMed 0.00001; gnomAD 0.00002.
gnomAD v4.1: 19 of 1,613,828 alleles (0.0012%); highest among the groups gnomAD compares: African/African-American, 0.004%; no homozygotes.

Submissions (3):

Labcorp Genetics (formerly Invitae), Labcorp
Classification: Uncertain significance for Carney complex, type 1. Last evaluated: 2025-07-29. Review status: criteria provided, single submitter. Criteria: Invitae Variant Classification Sherloc (09022015). Collection method: clinical testing. Allele origin: germline.
Comment: This sequence change replaces alanine, which is neutral and non-polar, with threonine, which is neutral and polar, at codon 160 of the PRKAR1A protein (p.Ala160Thr). This variant is present in population databases (rs765675434, gnomAD 0.008%). This variant has not been reported in the literature in individuals affected with PRKAR1A-related conditions. ClinVar contains an entry for this variant (Variation ID: 536899). Invitae Evidence Modeling of protein sequence and biophysical properties (such as structural, functional, and spatial information, amino acid conservation, physicochemical variation, residue mobility, and thermodynamic stability) indicates that this missense variant is not expected to disrupt PRKAR1A protein function with a negative predictive value of 95%. In summary, the available evidence is currently insufficient to determine the role of this variant in disease. Therefore, it has been classified as a Variant of Uncertain Significance.

Fulgent Genetics
Classification: Uncertain significance for Acrodysostosis 1 with or without hormone resistance; Carney complex, type 1; Familial atrial myxoma; Pigmented nodular adrenocortical disease, primary, 1. Last evaluated: 2024-05-23. Review status: criteria provided, single submitter. Criteria: ACMG Guidelines, 2015. Collection method: clinical testing. Allele origin: germline.

Ambry Genetics
Classification: Uncertain significance for Hereditary cancer-predisposing syndrome. Last evaluated: 2024-04-01. Review status: criteria provided, single submitter. Criteria: Ambry Variant Classification Scheme 2023. Collection method: clinical testing. Allele origin: germline.
Comment: The p.A160T variant (also known as c.478G>A), located in coding exon 4 of the PRKAR1A gene, results from a G to A substitution at nucleotide position 478. The alanine at codon 160 is replaced by threonine, an amino acid with similar properties. This amino acid position is conserved. In addition, the in silico prediction for this alteration is inconclusive. Since supporting evidence is limited at this time, the clinical significance of this alteration remains unclear.

NM_002734.5(PRKAR1A):c.478G>A (p.Ala160Thr)

Gene: PRKAR1A (protein kinase cAMP-dependent type I regulatory subunit alpha; plus strand). Cytogenetic location: 17q24.2.
Variant type: single nucleotide variant.
Coding change: c.478G>A on transcript NM_002734.5 (MANE Select); coding-DNA position 478, G replaced by A.
Protein change: p.Ala160Thr; replaces alanine 160 with threonine.
Molecular consequence: missense variant.
Genome position (GRCh38, 1-based): chr17:68,524,053, G>A. VCF-style: chr17-68524053-G-A. GRCh37 (hg19) VCF-style: chr17-66520194-G-A.
Other names: c.478G>A, p.Ala160Thr (NM_001276289.2, NM_001276290.1, NM_001278433.2 and 4 more transcripts); short protein forms A160T.
Identifiers: ClinVar variation 536899 (VCV000536899.13), dbSNP rs765675434, ClinGen allele CA8729267.